The following is an entry in ClinVar:

NM_015559.3(SETBP1):c.4599G>C (p.Pro1533=)

Gene: SETBP1 (SET binding protein 1; plus strand). Cytogenetic location: 18q12.3.
Variant type: single nucleotide variant.
Coding change: c.4599G>C on transcript NM_015559.3 (MANE Select); coding-DNA position 4599, G replaced by C.
Protein change: p.Pro1533=; no amino-acid change (proline 1533 retained).
Molecular consequence: synonymous variant.
Genome position (GRCh38, 1-based): chr18:45,063,506, G>C. VCF-style: chr18-45063506-G-C. GRCh37 (hg19) VCF-style: chr18-42643471-G-C.
Other names: c.4599G>C, p.Pro1533= (NM_001379141.1, NM_001379142.1); c.4428G>C, p.Pro1476= (NM_001410862.1).
Identifiers: ClinVar variation 3037687 (VCV003037687.2), dbSNP rs1307968951, ClinGen allele CA503995996.

ClinVar aggregate classification (germline): Likely benign (0 of 4 stars; one submission).

Conditions:
SETBP1-related disorder. Also called: SETBP1-related condition; SETBP1-related disorders.

Submission:

PreventionGenetics, part of Exact Sciences
Classification: Likely benign for SETBP1-related condition. Last evaluated: 2020-01-18. Review status: no assertion criteria provided. Collection method: clinical testing. Allele origin: germline.
Comment: This variant is classified as likely benign based on ACMG/AMP sequence variant interpretation guidelines (Richards et al. 2015 PMID: 25741868, with internal and published modifications).